The following is an entry in ClinVar:

NM_003331.5(TYK2):c.1362C>G (p.Pro454=)

Gene: TYK2 (tyrosine kinase 2; minus strand). Cytogenetic location: 19p13.2.
Variant type: single nucleotide variant.
Coding change: c.1362C>G on transcript NM_003331.5 (MANE Select); coding-DNA position 1362, C replaced by G.
Protein change: p.Pro454=; no amino-acid change (proline 454 retained).
Molecular consequence: synonymous variant.
Genome position (GRCh38, 1-based): chr19:10,364,619, G>C on the plus strand (C>G on the coding strand, the complement: TYK2 is on the minus strand). VCF-style: chr19-10364619-G-C. GRCh37 (hg19) VCF-style: chr19-10475295-G-C.
Identifiers: ClinVar variation 743841 (VCV000743841.34), dbSNP rs374268170, ClinGen allele CA9193453.
Genomic context (GRCh38, chr19:10,364,619, plus strand): 5'-CAGTCTAGTTGGCACCCTTGGCGGTGGCCCCCAGCGCCCCCCACCCAGCACTCACAGCAG[G>C]GGTCCGTGGATCCCATCCCGGATGCTCATCACCAGCCGTGGGGGAGCCACCTCGTGGCAC-3'
Protein context (NP_003322.3, residues 444-464): VMSIRDGIHG[Pro454=]LLEPFVQAKL

ClinVar aggregate classification (germline): Likely benign. Review status: criteria provided, multiple submitters, no conflicts (2 of 4 stars). 4 submissions from 4 submitters: Likely benign (3). 1 of the submissions does not count toward it. Last evaluated 2025-10-26.

Conditions:
Immunodeficiency 35 (IMD35). Also called: HIES WITH ATYPICAL MYCOBACTERIOSIS, AUTOSOMAL RECESSIVE; HYPER-IgE SYNDROME WITH ATYPICAL MYCOBACTERIOSIS, AUTOSOMAL RECESSIVE; TYK2 DEFICIENCY; Susceptibility to infection due to TYK2 deficiency. Identifiers: Orphanet 331226, MedGen C1969086, MONDO:0012682, OMIM 611521.
TYK2-related disorder. Also called: TYK2-related condition.

Allele frequency attached by ClinVar (database versions not stated): TOPMed 0.00003; gnomAD 0.00004 and 0.00005; gnomAD exomes 0.00004; ExAC 0.00007; ESP Exome Variant Server 0.00008.
gnomAD v4.1: 65 of 1,613,606 alleles (0.004%); highest among the groups gnomAD compares: Middle Eastern, 0.049%; no homozygotes.

Submissions (4):

Labcorp Genetics (formerly Invitae), Labcorp
Classification: Likely benign for Immunodeficiency 35. Last evaluated: 2025-10-26. Review status: criteria provided, single submitter. Criteria: Invitae Variant Classification Sherloc (09022015). Collection method: clinical testing. Allele origin: germline.

Blueprint Genetics
Classification: Likely benign. Last evaluated: 2024-09-25. Review status: criteria provided, single submitter. Criteria: ACMG Guidelines, 2015. Collection method: clinical testing. Allele origin: germline.

CeGaT Center for Human Genetics Tuebingen
Classification: Likely benign. Last evaluated: 2022-05-01. Review status: criteria provided, single submitter. Criteria: CeGaT Center For Human Genetics Tuebingen Variant Classification Criteria Version 2. Collection method: clinical testing. Allele origin: germline. Affected: yes. Observed: 1 variant allele.
Comment: TYK2: BP4, BP7

PreventionGenetics, part of Exact Sciences
Classification: Likely benign for TYK2-related condition. Last evaluated: 2019-02-21. Review status: no assertion criteria provided. Collection method: clinical testing. Allele origin: germline. Not counted in ClinVar's aggregate classification.
Comment: This variant is classified as likely benign based on ACMG/AMP sequence variant interpretation guidelines (Richards et al. 2015 PMID: 25741868, with internal and published modifications).